The following is an entry in ClinVar:

ClinVar aggregate classification (germline): Uncertain significance (1 of 4 stars; one submission).

Submission:

Labcorp Genetics (formerly Invitae), Labcorp
Classification: Uncertain significance. Last evaluated: 2022-04-25. Review status: criteria provided, single submitter. Criteria: Invitae Variant Classification Sherloc (09022015). Collection method: clinical testing. Allele origin: germline.
Comment: This variant has not been reported in the literature in individuals affected with SLC6A19-related conditions. In summary, the available evidence is currently insufficient to determine the role of this variant in disease. Therefore, it has been classified as a Variant of Uncertain Significance. Advanced modeling of protein sequence and biophysical properties (such as structural, functional, and spatial information, amino acid conservation, physicochemical variation, residue mobility, and thermodynamic stability) performed at Invitae indicates that this missense variant is not expected to disrupt SLC6A19 protein function. This variant is present in population databases (rs201050149, gnomAD 0.007%). This sequence change replaces alanine, which is neutral and non-polar, with serine, which is neutral and polar, at codon 247 of the SLC6A19 protein (p.Ala247Ser).

NM_001003841.3(SLC6A19):c.739G>T (p.Ala247Ser)

Gene: SLC6A19 (solute carrier family 6 member 19; plus strand). Cytogenetic location: 5p15.33.
Variant type: single nucleotide variant.
Coding change: c.739G>T on transcript NM_001003841.3 (MANE Select); coding-DNA position 739, G replaced by T.
Protein change: p.Ala247Ser; replaces alanine 247 with serine.
Molecular consequence: missense variant.
Genome position (GRCh38, 1-based): chr5:1,213,538, G>T. VCF-style: chr5-1213538-G-T. GRCh37 (hg19) VCF-style: chr5-1213653-G-T.
Other names: short protein forms A247S.
Identifiers: ClinVar variation 2109780 (VCV002109780.4), dbSNP rs201050149, ClinGen allele CA3182852.